The following is an entry in ClinVar:

NM_005476.7(GNE):c.1250C>T (p.Thr417Met)

Gene: GNE (glucosamine (UDP-N-acetyl)-2-epimerase/N-acetylmannosamine kinase; minus strand). Cytogenetic location: 9p13.3.
Variant type: single nucleotide variant.
Coding change: c.1250C>T on transcript NM_005476.7 (MANE Select); coding-DNA position 1250, C replaced by T.
Protein change: p.Thr417Met; replaces threonine 417 with methionine.
Molecular consequence: missense variant.
Genome position (GRCh38, 1-based): chr9:36,227,279, G>A on the plus strand (C>T on the coding strand, the complement: GNE is on the minus strand). VCF-style: chr9-36227279-G-A. GRCh37 (hg19) VCF-style: chr9-36227276-G-A.
Other names: c.1343C>T, p.Thr448Met (NM_001128227.3); c.1250C>T, p.Thr417Met (NM_001190383.3); c.920C>T, p.Thr307Met (NM_001190384.3); c.1073C>T, p.Thr358Met (NM_001190388.2, NM_001374798.1); c.1097C>T, p.Thr366Met (NM_001374797.1); short protein forms T417M, T448M, T307M, T366M, T358M.
Identifiers: ClinVar variation 500300 (VCV000500300.11), dbSNP rs1554659711, ClinGen allele CA373428596.
Genomic context (GRCh38, chr9:36,227,279, plus strand): 5'-TAAAGTTAGGAGTTTAGGAGTTATTTTACCTTCATGCTGACTATTGCAACTCGGAGGTTC[G>A]TCCCGCCAAGATCAACGGCCAAGGCACTTAGAGTTTCAAGAATATGGTCAATATCTTGAG-3'
Protein context (NP_005467.1, residues 407-427): LSALAVDLGG[Thr417Met]NLRVAIVSMK

ClinVar aggregate classification (germline): Uncertain significance. Review status: criteria provided, multiple submitters, no conflicts (2 of 4 stars). 5 submissions from 5 submitters: Uncertain significance (4). 1 of the submissions does not count toward it. Last evaluated 2024-04-03.

Conditions:
GNE myopathy (NM). Also called: NONAKA DISTAL MYOPATHY; MYOPATHY, DISTAL, WITH OR WITHOUT RIMMED VACUOLES; INCLUSION BODY MYOPATHY, HEREDITARY, AUTOSOMAL RECESSIVE; INCLUSION BODY MYOPATHY 2, AUTOSOMAL RECESSIVE; IBM 2; Inclusion body myopathy autosomal recessive. Identifiers: Orphanet 602, MedGen C1853926, MONDO:0011603, OMIM 605820.

Allele frequency attached by ClinVar (database versions not stated): gnomAD 0.00001; gnomAD exomes 0.00001; TOPMed 0.00001.

Submissions (5):

Women's Health and Genetics/Laboratory Corporation of America, LabCorp
Classification: Uncertain significance. Last evaluated: 2024-04-03. Review status: criteria provided, single submitter. Criteria: LabCorp Variant Classification Summary - May 2015. Collection method: clinical testing. Allele origin: germline.
Comment: Variant summary: GNE c.1343C>T (p.Thr448Met) results in a non-conservative amino acid change in the encoded protein sequence. Five of five in-silico tools predict a damaging effect of the variant on protein function. The frequency data for this variant in gnomAD is considered unreliable, as metrics indicate poor data quality at this position. c.1343C>T has been reported in the literature in individuals affected with Thrombocytopaenia (Zieger_2022, Montcrieff_2022). These data do not allow any conclusion about variant significance. To our knowledge, no experimental evidence demonstrating an impact on protein function has been reported. The following publications have been ascertained in the context of this evaluation (PMID: 36941763, 35052006). ClinVar contains an entry for this variant (Variation ID: 500300). Based on the evidence outlined above, the variant was classified as uncertain significance.

Revvity Omics, Revvity
Classification: Uncertain significance. Last evaluated: 2019-12-10. Review status: criteria provided, single submitter. Criteria: ACMG Guidelines, 2015. Collection method: clinical testing. Allele origin: germline.

GeneDx
Classification: Uncertain significance. Last evaluated: 2019-06-18. Review status: criteria provided, single submitter. Criteria: GeneDx Variant Classification Process June 2021. Collection method: clinical testing. Allele origin: germline. Affected: yes.
Comment: Not observed in large population cohorts (Lek et al., 2016); The majority of missense variants in this gene are considered pathogenic [(Stenson et al., 2014; other references)]; In silico analysis, which includes protein predictors and evolutionary conservation, supports a deleterious effect; Has not been previously published as pathogenic or benign to our knowledge

Eurofins Ntd Llc (ga)
Classification: Uncertain significance. Last evaluated: 2017-02-03. Review status: criteria provided, single submitter. Criteria: EGL Classification Definitions 2015. Collection method: clinical testing. Allele origin: germline. Observed: 1 variant allele, 1 heterozygote.

Natera, Inc.
Classification: Uncertain significance for Nonaka myopathy. Last evaluated: 2020-07-28. Review status: no assertion criteria provided. Collection method: clinical testing. Allele origin: germline. Not counted in ClinVar's aggregate classification.

Literature cited by the submitters: PubMed 36941763 (cited by Women's Health and Genetics/Laboratory Corporation of America, LabCorp); PubMed 35052006 (cited by Women's Health and Genetics/Laboratory Corporation of America, LabCorp).